The following is an entry in ClinVar:

ClinVar aggregate classification (germline): Uncertain significance. Review status: criteria provided, multiple submitters, no conflicts (2 of 4 stars). 3 submissions from 3 submitters: Uncertain significance (3). Last evaluated 2025-10-06.

Conditions:
Familial hypercholesterolemia. Also called: Familial hypercholesterolaemia; Familial hypercholesterolemias. Identifiers: MedGen C0020445, MONDO:0005439.
Cardiovascular phenotype. Identifiers: MedGen CN230736.
Hypercholesterolemia, autosomal dominant, 3 (FHCL3). Also called: PCSK9-Related Familial Hypercholesterolemia, Autosomal Dominant; Familial hypercholesterolemia 3; Familial Hypercholesterolemia, Autosomal Dominant, 3. Identifiers: MedGen C1863551, MONDO:0011369, OMIM 603776.

Allele frequency attached by ClinVar (database versions not stated): gnomAD exomes 0.00001 and 0.00003; TOPMed 0.00001; ExAC 0.00003.

Submissions (3):

Ambry Genetics
Classification: Uncertain significance for Cardiovascular phenotype. Last evaluated: 2025-10-06. Review status: criteria provided, single submitter. Criteria: Ambry Variant Classification Scheme 2023. Collection method: clinical testing. Allele origin: germline.
Comment: The c.523+2dupT intronic variant is located 2 nucleotide(s) after coding exon 3 in the PCSK9 gene. This variant results from a duplication of two nucleotides at nucleotide position 523. This variant does not change the sequence of the canonical donor at this splice site. This nucleotide position is highly conserved in available vertebrate species. In silico splice site analysis predicts that this alteration will weaken the native splice donor site and will result in the creation or strengthening of a novel splice donor site. Based on the available evidence, the clinical significance of this alteration remains unclear.

Labcorp Genetics (formerly Invitae), Labcorp
Classification: Uncertain significance for Hypercholesterolemia, autosomal dominant, 3. Last evaluated: 2025-10-01. Review status: criteria provided, single submitter. Criteria: Invitae Variant Classification Sherloc (09022015). Collection method: clinical testing. Allele origin: germline.
Comment: This sequence change falls in intron 3 of the PCSK9 gene. It does not directly change the encoded amino acid sequence of the PCSK9 protein. It affects a nucleotide within the consensus splice site. This variant is present in population databases (rs773067887, gnomAD 0.02%). This variant has not been reported in the literature in individuals affected with PCSK9-related conditions. ClinVar contains an entry for this variant (Variation ID: 651350). Variants that disrupt the consensus splice site are a relatively common cause of aberrant splicing (PMID: 17576681, 9536098). Algorithms developed to predict the effect of sequence changes on RNA splicing suggest that this variant may disrupt the consensus splice site. In summary, the available evidence is currently insufficient to determine the role of this variant in disease. Therefore, it has been classified as a Variant of Uncertain Significance.

Color Diagnostics, LLC DBA Color Health
Classification: Uncertain significance for Familial hypercholesterolemia. Last evaluated: 2023-11-08. Review status: criteria provided, single submitter. Criteria: ACMG Guidelines, 2015. Collection method: clinical testing. Allele origin: germline.
Comment: This variant duplicates one nucleotide at the +2 position of intron 3 of the PCSK9 gene. Splice site prediction tools predict that this variant may have a significant impact on RNA splicing. To our knowledge, functional studies have not been reported for this variant. This variant has not been reported in individuals affected with PCSK9-related disorders in the literature. This variant has been identified in 8/250720 chromosomes in the general population by the Genome Aggregation Database (gnomAD). The available evidence is insufficient to determine the role of this variant in disease conclusively. Therefore, this variant is classified as a Variant of Uncertain Significance.

Literature cited by the submitters: PubMed 17576681 (cited by Labcorp Genetics (formerly Invitae), Labcorp); PubMed 9536098 (cited by Labcorp Genetics (formerly Invitae), Labcorp).

NM_174936.4(PCSK9):c.523+2dup

Gene: PCSK9 (proprotein convertase subtilisin/kexin type 9; plus strand). Cytogenetic location: 1p32.3.
Variant type: Duplication.
Coding change: c.523+2dup on transcript NM_174936.4 (MANE Select); the canonical splice donor site of the intron after coding-DNA position 523, one base duplicated (T; older notation c.523+2dupT).
Molecular consequence: splice donor variant.
Genome position (GRCh38, 1-based): chr1:55,046,648, T duplicated. VCF-style (leftmost placement, unchanged base first): chr1-55046647-G-GT. GRCh37 (hg19) VCF-style: chr1-55512320-G-GT.
Other names: c.523+2dupT (NM_174936.3).
Identifiers: ClinVar variation 651350 (VCV000651350.8), dbSNP rs773067887, ClinGen allele CA042717.